The following is an entry in ClinVar:

ClinVar aggregate classification (germline): Benign/Likely benign. Review status: criteria provided, multiple submitters, no conflicts (2 of 4 stars). 3 submissions from 3 submitters: Benign (1); Likely benign (1). 1 of the submissions does not count toward it. Last evaluated 2024-12-02.

Conditions:
TUBB4A-related disorder. Also called: TUBB4A-related condition.
Leukodystrophy, hypomyelinating, 6. Also called: TUBB4A-Associated Leukodystrophy; Hypomyelination with Atrophy of Basal Ganglia and Cerebellum (H-ABC); LEUKODYSTROPHY, HYPOMYELINATING, WITH ATROPHY OF THE BASAL GANGLIA AND CEREBELLUM. Identifiers: Orphanet 139441, MedGen C2676244, MONDO:0012905, OMIM 612438.

Allele frequency attached by ClinVar (database versions not stated): gnomAD exomes 0.00004 and 0.00008; ExAC 0.00007; gnomAD 0.00030 and 0.00031; ESP Exome Variant Server 0.00031; TOPMed 0.00031.
gnomAD v4.1: 106 of 1,614,224 alleles (0.0066%); highest among the groups gnomAD compares: African/African-American, 0.12%; no homozygotes.

Submissions (3):

Labcorp Genetics (formerly Invitae), Labcorp
Classification: Likely benign for Leukodystrophy, hypomyelinating, 6. Last evaluated: 2024-12-02. Review status: criteria provided, single submitter. Criteria: Invitae Variant Classification Sherloc (09022015). Collection method: clinical testing. Allele origin: germline.

GeneDx
Classification: Benign. Last evaluated: 2020-07-08. Review status: criteria provided, single submitter. Criteria: GeneDx Variant Classification Process June 2021. Collection method: clinical testing. Allele origin: germline. Affected: yes.

PreventionGenetics, part of Exact Sciences
Classification: Likely benign for TUBB4A-related condition. Last evaluated: 2024-08-12. Review status: no assertion criteria provided. Collection method: clinical testing. Allele origin: germline. Not counted in ClinVar's aggregate classification.
Comment: This variant is classified as likely benign based on ACMG/AMP sequence variant interpretation guidelines (Richards et al. 2015 PMID: 25741868, with internal and published modifications).

NM_006087.4(TUBB4A):c.1044C>T (p.Asn348=)

Gene: TUBB4A (tubulin beta 4A class IVa; minus strand). Cytogenetic location: 19p13.3.
Variant type: single nucleotide variant.
Coding change: c.1044C>T on transcript NM_006087.4 (MANE Select); coding-DNA position 1044, C replaced by T.
Protein change: p.Asn348=; no amino-acid change (asparagine 348 retained).
Molecular consequence: synonymous variant.
Genome position (GRCh38, 1-based): chr19:6,495,455, G>A on the plus strand (C>T on the coding strand, the complement: TUBB4A is on the minus strand). VCF-style: chr19-6495455-G-A. GRCh37 (hg19) VCF-style: chr19-6495466-G-A.
Other names: c.1197C>T, p.Asn399= (NM_001289123.2); c.1179C>T, p.Asn393= (NM_001289127.2); c.1044C>T, p.Asn348= (NM_001289129.2); c.828C>T, p.Asn276= (NM_001289130.2, NM_001289131.2).
Identifiers: ClinVar variation 703401 (VCV000703401.13), dbSNP rs111274574, ClinGen allele CA9127285.